The following is an entry in ClinVar:

NM_000038.6(APC):c.5219C>A (p.Pro1740His)

Gene: APC (APC regulator of Wnt signaling pathway; plus strand). Cytogenetic location: 5q22.2.
Variant type: single nucleotide variant.
Coding change: c.5219C>A on transcript NM_000038.6 (MANE Select); coding-DNA position 5219, C replaced by A.
Protein change: p.Pro1740His; replaces proline 1740 with histidine.
Molecular consequence: missense variant.
Genome position (GRCh38, 1-based): chr5:112,840,813, C>A. VCF-style: chr5-112840813-C-A. GRCh37 (hg19) VCF-style: chr5-112176510-C-A.
Other names: c.5219C>A, p.Pro1740His (NM_001127510.3, NM_001354895.2); c.5165C>A, p.Pro1722His (NM_001127511.3); c.5273C>A, p.Pro1758His (NM_001354896.2); c.5249C>A, p.Pro1750His (NM_001354897.2); c.5144C>A, p.Pro1715His (NM_001354898.2); c.5135C>A, p.Pro1712His (NM_001354899.2); c.5096C>A, p.Pro1699His (NM_001354900.2); c.5042C>A, p.Pro1681His (NM_001354901.2); and 5 more; short protein forms P1639H, P1722H, P1740H, P1758H, P1580H, P1614H, P1649H, P1699H.
Identifiers: ClinVar variation 825557 (VCV000825557.4), dbSNP rs1580657573, ClinGen allele CA16032740.

ClinVar aggregate classification (germline): Uncertain significance (1 of 4 stars; one submission).

Conditions:
Hereditary cancer-predisposing syndrome. Also called: Neoplastic Syndromes, Hereditary; Tumor predisposition; Hereditary neoplastic syndrome; Hereditary Cancer Syndrome. Identifiers: Orphanet 140162, MedGen C0027672, MeSH D009386, MONDO:0015356.

Submission:

Ambry Genetics
Classification: Uncertain significance for Hereditary cancer-predisposing syndrome. Last evaluated: 2023-11-17. Review status: criteria provided, single submitter. Criteria: Ambry Variant Classification Scheme 2023. Collection method: clinical testing. Allele origin: germline.
Comment: The p.P1740H variant (also known as c.5219C>A), located in coding exon 15 of the APC gene, results from a C to A substitution at nucleotide position 5219. The proline at codon 1740 is replaced by histidine, an amino acid with similar properties. This amino acid position is highly conserved in available vertebrate species. In addition, in silico predictors for this gene do not accurately predict pathogenicity. Since supporting evidence is limited at this time, the clinical significance of this alteration remains unclear.